The following is an entry in ClinVar:

ClinVar aggregate classification (germline): Uncertain significance. Review status: criteria provided, multiple submitters, no conflicts (2 of 4 stars). 2 submissions from 2 submitters: Uncertain significance (2). Last evaluated 2026-05-18.

Conditions:
Cardiovascular phenotype. Identifiers: MedGen CN230736.

Allele frequency attached by ClinVar (database versions not stated): gnomAD exomes below 0.00001; TOPMed 0.00002.
gnomAD v4.1: 1 of 1,614,034 alleles (0.000062%); no homozygotes.

Submissions (2):

Women's Health and Genetics/Laboratory Corporation of America, LabCorp
Classification: Uncertain significance. Last evaluated: 2026-05-18. Review status: criteria provided, single submitter. Criteria: LabCorp Variant Classification Summary - May 2015. Collection method: clinical testing. Allele origin: germline.

Ambry Genetics
Classification: Uncertain significance for Cardiovascular phenotype. Last evaluated: 2021-03-25. Review status: criteria provided, single submitter. Criteria: Ambry Variant Classification Scheme 2023. Collection method: clinical testing. Allele origin: germline.
Comment: The p.D534V variant (also known as c.1601A>T), located in coding exon 11 of the DSC2 gene, results from an A to T substitution at nucleotide position 1601. The aspartic acid at codon 534 is replaced by valine, an amino acid with highly dissimilar properties. This amino acid position is highly conserved in available vertebrate species. In addition, this alteration is predicted to be deleterious by in silico analysis. Since supporting evidence is limited at this time, the clinical significance of this alteration remains unclear.

NM_024422.6(DSC2):c.1601A>T (p.Asp534Val)

Gene: DSC2 (desmocollin 2; minus strand). Cytogenetic location: 18q12.1.
Variant type: single nucleotide variant.
Coding change: c.1601A>T on transcript NM_024422.6 (MANE Select); coding-DNA position 1601, A replaced by T.
Protein change: p.Asp534Val; replaces aspartic acid 534 with valine.
Molecular consequence: missense variant.
Genome position (GRCh38, 1-based): chr18:31,079,909, T>A on the plus strand (A>T on the coding strand, the complement: DSC2 is on the minus strand). VCF-style: chr18-31079909-T-A. GRCh37 (hg19) VCF-style: chr18-28659875-T-A.
Other names: c.1172A>T, p.Asp391Val (NM_001406506.1, NM_001406507.1); c.1601A>T, p.Asp534Val (NM_004949.5); short protein forms D391V, D534V.
Identifiers: ClinVar variation 1776186 (VCV001776186.3), dbSNP rs1367187700, ClinGen allele CA402107948.